The following is an entry in ClinVar:

NM_000057.4(BLM):c.2570T>G (p.Phe857Cys)

Gene: BLM (BLM RecQ like helicase; plus strand). Cytogenetic location: 15q26.1.
Variant type: single nucleotide variant.
Coding change: c.2570T>G on transcript NM_000057.4 (MANE Select); coding-DNA position 2570, T replaced by G.
Protein change: p.Phe857Cys; replaces phenylalanine 857 with cysteine.
Molecular consequence: missense variant.
Genome position (GRCh38, 1-based): chr15:90,782,836, T>G. VCF-style: chr15-90782836-T-G. GRCh37 (hg19) VCF-style: chr15-91326066-T-G.
Other names: c.2570T>G, p.Phe857Cys (NM_001287246.2, NM_001287247.2); c.1445T>G, p.Phe482Cys (NM_001287248.2); short protein forms F857C, F482C.
Identifiers: ClinVar variation 1793246 (VCV001793246.2), dbSNP rs1567052169, ClinGen allele CA393845616.

ClinVar aggregate classification (germline): Uncertain significance (1 of 4 stars; one submission).

Conditions:
Hereditary cancer-predisposing syndrome. Also called: Tumor predisposition; Hereditary Cancer Syndrome; Neoplastic Syndromes, Hereditary; Hereditary neoplastic syndrome. Identifiers: Orphanet 140162, MedGen C0027672, MeSH D009386, MONDO:0015356.

Submission:

Ambry Genetics
Classification: Uncertain significance for Hereditary cancer-predisposing syndrome. Last evaluated: 2022-05-19. Review status: criteria provided, single submitter. Criteria: Ambry Variant Classification Scheme 2023. Collection method: clinical testing. Allele origin: germline.
Comment: The p.F857C variant (also known as c.2570T>G), located in coding exon 12 of the BLM gene, results from a T to G substitution at nucleotide position 2570. The phenylalanine at codon 857 is replaced by cysteine, an amino acid with highly dissimilar properties. This amino acid position is conserved. In addition, this alteration is predicted to be deleterious by in silico analysis. Since supporting evidence is limited at this time, the clinical significance of this alteration remains unclear.